The following is an entry in ClinVar:

NM_020166.5(MCCC1):c.2149G>A (p.Glu717Lys)

Gene: MCCC1 (methylcrotonyl-CoA carboxylase subunit 1; minus strand). Cytogenetic location: 3q27.1.
Variant type: single nucleotide variant.
Coding change: c.2149G>A on transcript NM_020166.5 (MANE Select); coding-DNA position 2149, G replaced by A.
Protein change: p.Glu717Lys; replaces glutamic acid 717 with lysine.
Molecular consequence: missense variant. On other transcripts: non-coding transcript variant (2).
Genome position (GRCh38, 1-based): chr3:183,015,467, C>T on the plus strand (G>A on the coding strand, the complement: MCCC1 is on the minus strand). VCF-style: chr3-183015467-C-T. GRCh37 (hg19) VCF-style: chr3-182733255-C-T.
Other names: p.E717K:GAA>AAA; c.1798G>A, p.Glu600Lys (NM_001293273.2); c.1822G>A, p.Glu608Lys (NM_001363880.1); short protein forms E717K, E600K, E608K.
Identifiers: ClinVar variation 138181 (VCV000138181.16), dbSNP rs35706839, ClinGen allele CA292031.

ClinVar aggregate classification (germline): Benign. Review status: criteria provided, multiple submitters, no conflicts (2 of 4 stars). 4 submissions from 4 submitters: Benign (3). 1 of the submissions does not count toward it. Last evaluated 2026-01-28.

Conditions:
Methylcrotonyl-CoA carboxylase deficiency. Also called: Deficiency of methylcrotonoyl-CoA carboxylase; 3-MCC Deficiency; 3 Methylcrotonylglycinuria. Identifiers: Orphanet 6, MedGen C4551505, MONDO:0018950.
3-methylcrotonyl-CoA carboxylase 1 deficiency (MCC1D). Also called: MCC 1 deficiency; 3 Alpha methylcrotonylglycinuria 1; MCCD TYPE 1; METHYLCROTONYLGLYCINURIA TYPE I. Identifiers: Orphanet 6, MedGen CN028786, MONDO:0008861, OMIM 210200.

Allele frequency attached by ClinVar (database versions not stated): gnomAD exomes 0.00043 and 0.00113; ExAC 0.00139; gnomAD 0.00458 and 0.00480; ESP Exome Variant Server 0.00484; TOPMed 0.00520; 1000 Genomes Project 0.00599; 1000 Genomes Project 30x 0.00625.
gnomAD v4.1: 1,360 of 1,614,144 alleles (0.084%); highest among the groups gnomAD compares: African/African-American, 1.6%; 7 homozygotes.

Submissions (4):

Labcorp Genetics (formerly Invitae), Labcorp
Classification: Benign for 3-methylcrotonyl-CoA carboxylase 1 deficiency. Last evaluated: 2026-01-28. Review status: criteria provided, single submitter. Criteria: Invitae Variant Classification Sherloc (09022015). Collection method: clinical testing. Allele origin: germline.

GeneDx
Classification: Benign. Last evaluated: 2014-04-04. Review status: criteria provided, single submitter. Criteria: GeneDx Variant Classification (06012015). Collection method: clinical testing. Allele origin: germline. Affected: yes.
Comment: This variant is considered likely benign or benign based on one or more of the following criteria: it is a conservative change, it occurs at a poorly conserved position in the protein, it is predicted to be benign by multiple in silico algorithms, and/or has population frequency not consistent with disease.

Breakthrough Genomics
Classification: Benign. Review status: criteria provided, single submitter. Criteria: ACMG Guidelines, 2015. Collection method: not provided. Allele origin: germline. Inheritance: Autosomal recessive inheritance. Affected: yes.

Natera, Inc.
Classification: Benign for 3-methylcrotonylglycinuria. Last evaluated: 2020-09-16. Review status: no assertion criteria provided. Collection method: clinical testing. Allele origin: germline. Not counted in ClinVar's aggregate classification.